The following is an entry in ClinVar:

ClinVar aggregate classification (germline): Uncertain significance (1 of 4 stars; one submission).

gnomAD v4.1: 5 of 1,609,038 alleles (0.00031%); highest among the groups gnomAD compares: Non-Finnish European, 0.00034%; no homozygotes.

Submission:

Labcorp Genetics (formerly Invitae), Labcorp
Classification: Uncertain significance. Last evaluated: 2022-10-18. Review status: criteria provided, single submitter. Criteria: Invitae Variant Classification Sherloc (09022015). Collection method: clinical testing. Allele origin: germline.
Comment: This sequence change replaces glutamine, which is neutral and polar, with glutamic acid, which is acidic and polar, at codon 15 of the CAD protein (p.Gln15Glu). This variant is not present in population databases (gnomAD no frequency). This variant has not been reported in the literature in individuals affected with CAD-related conditions. ClinVar contains an entry for this variant (Variation ID: 1438919). Advanced modeling of protein sequence and biophysical properties (such as structural, functional, and spatial information, amino acid conservation, physicochemical variation, residue mobility, and thermodynamic stability) performed at Invitae indicates that this missense variant is not expected to disrupt CAD protein function. In summary, the available evidence is currently insufficient to determine the role of this variant in disease. Therefore, it has been classified as a Variant of Uncertain Significance.

NM_004341.5(CAD):c.43C>G (p.Gln15Glu)

Gene: CAD (carbamoyl-phosphate synthetase 2, aspartate transcarbamylase, and dihydroorotase; plus strand). Cytogenetic location: 2p23.3.
Variant type: single nucleotide variant.
Coding change: c.43C>G on transcript NM_004341.5 (MANE Select); coding-DNA position 43, C replaced by G.
Protein change: p.Gln15Glu; replaces glutamine 15 with glutamic acid.
Molecular consequence: missense variant.
Genome position (GRCh38, 1-based): chr2:27,217,594, C>G. VCF-style: chr2-27217594-C-G. GRCh37 (hg19) VCF-style: chr2-27440462-C-G.
Other names: c.43C>G, p.Gln15Glu (NM_001306079.2); short protein forms Q15E.
Identifiers: ClinVar variation 1438919 (VCV001438919.3), dbSNP rs1558524067, ClinGen allele CA346195888.